The following is an entry in ClinVar:

NM_024513.4(FYCO1):c.*1419C>T

Gene: FYCO1 (FYVE and coiled-coil domain autophagy adaptor 1; minus strand). Cytogenetic location: 3p21.31.
Variant type: single nucleotide variant.
Coding change: c.*1419C>T on transcript NM_024513.4 (MANE Select); 1419 bases downstream of the stop codon, C replaced by T.
Molecular consequence: 3 prime UTR variant.
Genome position (GRCh38, 1-based): chr3:45,920,346, G>A on the plus strand (C>T on the coding strand, the complement: FYCO1 is on the minus strand). VCF-style: chr3-45920346-G-A. GRCh37 (hg19) VCF-style: chr3-45961838-G-A.
Identifiers: ClinVar variation 903633 (VCV000903633.4), dbSNP rs116230454, ClinGen allele CA73642804.

ClinVar aggregate classification (germline): Benign (1 of 4 stars; one submission).

Conditions:
Cataract 18 (CATC2). Also called: CATARACT 18, AUTOSOMAL RECESSIVE. Identifiers: Orphanet 91492, Orphanet 98991, Orphanet 98992, Orphanet 98995, MedGen C1864908, MONDO:0012395, OMIM 610019.

Allele frequency attached by ClinVar (database versions not stated): gnomAD 0.00742 and 0.00793; 1000 Genomes Project 30x 0.00796; 1000 Genomes Project 0.00839; TOPMed 0.00897.

Submission:

Illumina Laboratory Services, Illumina
Classification: Benign for Cataract 18. Last evaluated: 2018-01-12. Review status: criteria provided, single submitter. Criteria: ICSL Variant Classification Criteria 13 December 2019. Collection method: clinical testing. Allele origin: germline.
Comment: This variant was observed in the ICSL laboratory as part of a predisposition screen in an ostensibly healthy population. It had not been previously curated by ICSL or reported in the Human Gene Mutation Database (HGMD: prior to June 1st, 2018), and was therefore a candidate for classification through an automated scoring system. Utilizing variant allele frequency, disease prevalence and penetrance estimates, and inheritance mode, an automated score was calculated to assess if this variant is too frequent to cause the disease. Based on the score and internal cut-off values, a variant classified as benign is not then subjected to further curation. The score for this variant resulted in a classification of benign for this disease.